The following is an entry in ClinVar:

ClinVar aggregate classification (germline): Benign/Likely benign. Review status: criteria provided, multiple submitters, no conflicts (2 of 4 stars). 4 submissions from 4 submitters: Benign (1); Likely benign (3). Last evaluated 2026-04-27.

Conditions:
Colorectal cancer, susceptibility to, 1. Also called: COLORECTAL ADENOMA AND CANCER, SUSCEPTIBILITY TO; COLORECTAL CANCER, SUSCEPTIBILITY TO, ON CHROMOSOME 9. Identifiers: MedGen C1837315, MONDO:0012132, OMIM 608812.

Allele frequency attached by ClinVar (database versions not stated): gnomAD exomes 0.00001 and 0.00002; ExAC 0.00001; TOPMed 0.00002.
gnomAD v4.1: 17 of 1,614,138 alleles (0.0011%); highest among the groups gnomAD compares: Middle Eastern, 0.016%; no homozygotes.

Submissions (4):

Myriad Genetics, Inc.
Classification: Benign for Colorectal cancer, susceptibility to, 1. Last evaluated: 2026-04-27. Review status: criteria provided, single submitter. Criteria: Myriad Autosomal Dominant, Autosomal Recessive and X-Linked Classification Criteria (2023). Collection method: clinical testing. Allele origin: unknown.
Comment: This variant is considered benign. This variant is a silent/synonymous amino acid change and it is not expected to impact splicing.

Quest Diagnostics Nichols Institute San Juan Capistrano
Classification: Likely benign. Last evaluated: 2025-10-14. Review status: criteria provided, single submitter. Criteria: Quest Diagnostics criteria. Collection method: clinical testing. Allele origin: unknown.

Labcorp Genetics (formerly Invitae), Labcorp
Classification: Likely benign. Last evaluated: 2023-12-19. Review status: criteria provided, single submitter. Criteria: Invitae Variant Classification Sherloc (09022015). Collection method: clinical testing. Allele origin: germline.

Ambry Genetics
Classification: Likely benign. Last evaluated: 2020-01-03. Review status: criteria provided, single submitter. Criteria: Ambry Variant Classification Scheme 2023. Collection method: clinical testing. Allele origin: germline.

NM_024642.5(GALNT12):c.1227T>C (p.Asp409=)

Gene: GALNT12 (polypeptide N-acetylgalactosaminyltransferase 12; plus strand). Cytogenetic location: 9q22.33.
Variant type: single nucleotide variant.
Coding change: c.1227T>C on transcript NM_024642.5 (MANE Select); coding-DNA position 1227, T replaced by C.
Protein change: p.Asp409=; no amino-acid change (aspartic acid 409 retained).
Molecular consequence: synonymous variant.
Genome position (GRCh38, 1-based): chr9:98,840,016, T>C. VCF-style: chr9-98840016-T-C. GRCh37 (hg19) VCF-style: chr9-101602298-T-C.
Identifiers: ClinVar variation 779788 (VCV000779788.15), dbSNP rs773636372, ClinGen allele CA5154211.